The following is an entry in ClinVar:

NM_004715.5(CTDP1):c.2167G>C (p.Glu723Gln)

Gene: CTDP1 (CTD phosphatase subunit 1; plus strand). Cytogenetic location: 18q23.
Variant type: single nucleotide variant.
Coding change: c.2167G>C on transcript NM_004715.5 (MANE Select); coding-DNA position 2167, G replaced by C.
Protein change: p.Glu723Gln; replaces glutamic acid 723 with glutamine.
Molecular consequence: missense variant.
Genome position (GRCh38, 1-based): chr18:79,717,633, G>C. VCF-style: chr18-79717633-G-C. GRCh37 (hg19) VCF-style: chr18-77477633-G-C.
Other names: c.1810G>C, p.Glu604Gln (NM_001202504.1); c.2167G>C, p.Glu723Gln (NM_001318511.2, NM_048368.4); short protein forms E723Q, E604Q.
Identifiers: ClinVar variation 2128077 (VCV002128077.4), dbSNP rs2512097871, ClinGen allele CA402833079.

ClinVar aggregate classification (germline): Uncertain significance (1 of 4 stars; one submission).

Submission:

Labcorp Genetics (formerly Invitae), Labcorp
Classification: Uncertain significance. Last evaluated: 2022-04-28. Review status: criteria provided, single submitter. Criteria: Invitae Variant Classification Sherloc (09022015). Collection method: clinical testing. Allele origin: germline.
Comment: In summary, the available evidence is currently insufficient to determine the role of this variant in disease. Therefore, it has been classified as a Variant of Uncertain Significance. Algorithms developed to predict the effect of missense changes on protein structure and function (SIFT, PolyPhen-2, Align-GVGD) all suggest that this variant is likely to be disruptive. This variant has not been reported in the literature in individuals affected with CTDP1-related conditions. This variant is not present in population databases (gnomAD no frequency). This sequence change replaces glutamic acid, which is acidic and polar, with glutamine, which is neutral and polar, at codon 723 of the CTDP1 protein (p.Glu723Gln).